The following is an entry in ClinVar:

NM_000038.6(APC):c.2461G>T (p.Val821Phe)

Gene: APC (APC regulator of Wnt signaling pathway; plus strand). Cytogenetic location: 5q22.2.
Variant type: single nucleotide variant.
Coding change: c.2461G>T on transcript NM_000038.6 (MANE Select); coding-DNA position 2461, G replaced by T.
Protein change: p.Val821Phe; replaces valine 821 with phenylalanine.
Molecular consequence: missense variant.
Genome position (GRCh38, 1-based): chr5:112,838,055, G>T. VCF-style: chr5-112838055-G-T. GRCh37 (hg19) VCF-style: chr5-112173752-G-T.
Other names: c.2461G>T, p.Val821Phe (NM_001127510.3, NM_001354895.2); c.2407G>T, p.Val803Phe (NM_001127511.3); c.2515G>T, p.Val839Phe (NM_001354896.2); c.2491G>T, p.Val831Phe (NM_001354897.2); c.2386G>T, p.Val796Phe (NM_001354898.2); c.2377G>T, p.Val793Phe (NM_001354899.2); c.2338G>T, p.Val780Phe (NM_001354900.2); c.2284G>T, p.Val762Phe (NM_001354901.2); and 5 more; short protein forms V538F, V661F, V695F, V720F, V730F, V762F, V780F, V793F.
Identifiers: ClinVar variation 1692793 (VCV001692793.2), dbSNP rs138498551, ClinGen allele CA16026738.

ClinVar aggregate classification (germline): Uncertain significance. Review status: criteria provided, multiple submitters, no conflicts (2 of 4 stars). 2 submissions from 2 submitters: Uncertain significance (2). Last evaluated 2025-02-12.

Conditions:
Hereditary cancer-predisposing syndrome. Also called: Hereditary neoplastic syndrome; Tumor predisposition; Neoplastic Syndromes, Hereditary; Hereditary Cancer Syndrome. Identifiers: Orphanet 140162, MedGen C0027672, MeSH D009386, MONDO:0015356.
Familial adenomatous polyposis 1 (FAP1). Also called: POLYPOSIS, ADENOMATOUS INTESTINAL; FAMILIAL ADENOMATOUS POLYPOSIS 1, ATTENUATED. Identifiers: MedGen C2713442, MONDO:0021056, OMIM 175100. Disease mechanism: loss of function.

Submissions (2):

Labcorp Genetics (formerly Invitae), Labcorp
Classification: Uncertain significance for Familial adenomatous polyposis 1. Last evaluated: 2025-02-12. Review status: criteria provided, single submitter. Criteria: Invitae Variant Classification Sherloc (09022015). Collection method: clinical testing. Allele origin: germline.
Comment: This sequence change replaces valine, which is neutral and non-polar, with phenylalanine, which is neutral and non-polar, at codon 821 of the APC protein (p.Val821Phe). This variant is not present in population databases (gnomAD no frequency). This variant has not been reported in the literature in individuals affected with APC-related conditions. ClinVar contains an entry for this variant (Variation ID: 1692793). Invitae Evidence Modeling of protein sequence and biophysical properties (such as structural, functional, and spatial information, amino acid conservation, physicochemical variation, residue mobility, and thermodynamic stability) indicates that this missense variant is not expected to disrupt APC protein function with a negative predictive value of 95%. In summary, the available evidence is currently insufficient to determine the role of this variant in disease. Therefore, it has been classified as a Variant of Uncertain Significance.

Sema4
Classification: Uncertain significance for Hereditary cancer-predisposing syndrome. Last evaluated: 2022-03-10. Review status: criteria provided, single submitter. Criteria: Sema4 Curation Guidelines. Collection method: curation. Allele origin: germline.
Comment: The APC c.2461G>T (p.V821F) variant has not been reported in the literature to our knowledge. It was not observed in the large and broad cohorts of the Genome Aggregation Database (PMID: 32461654). This variant has not been reported in ClinVar. Functional studies have not been performed, and in silico predictions of the variant's effect on protein function are inconclusive. The evidence is insufficient to meet ACMG/AMP criteria for classifying the variant as benign or pathogenic. Thus, the clinical significance of this variant is currently uncertain.